The following is an entry in ClinVar:

ClinVar aggregate classification (germline): Pathogenic (1 of 4 stars; one submission).

Submission:

Labcorp Genetics (formerly Invitae), Labcorp
Classification: Pathogenic. Last evaluated: 2024-03-29. Review status: criteria provided, single submitter. Criteria: Invitae Variant Classification Sherloc (09022015). Collection method: clinical testing. Allele origin: germline.
Comment: This sequence change creates a premature translational stop signal (p.Ala294Hisfs*12) in the ARMC9 gene. It is expected to result in an absent or disrupted protein product. Loss-of-function variants in ARMC9 are known to be pathogenic (PMID: 28625504). This variant is not present in population databases (gnomAD no frequency). This variant has not been reported in the literature in individuals affected with ARMC9-related conditions. Algorithms developed to predict the effect of sequence changes on RNA splicing suggest that this variant may disrupt the consensus splice site. For these reasons, this variant has been classified as Pathogenic.

Literature cited by the submitters: PubMed 28625504.

NC_000002.12:g.231256586del

Gene: ARMC9 (armadillo repeat containing 9; plus strand). Cytogenetic location: 2q37.1.
Variant type: Deletion.
Genome position: GRCh38 VCF-style: chr2-231256584-AG-A. GRCh37 (hg19) VCF-style: chr2-232121297-AG-A.
Identifiers: ClinVar variation 3648122 (VCV003648122.2).